The following is an entry in ClinVar:

ClinVar aggregate classification (germline): Uncertain significance. Review status: criteria provided, multiple submitters, no conflicts (2 of 4 stars). 2 submissions from 2 submitters: Uncertain significance (2). Last evaluated 2024-06-05.

Conditions:
Sialuria. Also called: SIALURIA, FRENCH TYPE; Sialic Acid Storage Disease. Identifiers: Orphanet 3166, MedGen C0342853, MONDO:0010028, OMIM 269921.
GNE myopathy (NM). Also called: NONAKA DISTAL MYOPATHY; INCLUSION BODY MYOPATHY, HEREDITARY, AUTOSOMAL RECESSIVE; INCLUSION BODY MYOPATHY 2, AUTOSOMAL RECESSIVE; MYOPATHY, DISTAL, WITH OR WITHOUT RIMMED VACUOLES; IBM 2; Inclusion body myopathy autosomal recessive. Identifiers: Orphanet 602, MedGen C1853926, MONDO:0011603, OMIM 605820.

Allele frequency attached by ClinVar (database versions not stated): gnomAD exomes below 0.00001.
gnomAD v4.1: 1 of 1,613,462 alleles (0.000062%); highest among the groups gnomAD compares: Admixed American, 0.0017%; no homozygotes.

Submissions (2):

Revvity Omics, Revvity
Classification: Uncertain significance. Last evaluated: 2024-06-05. Review status: criteria provided, single submitter. Criteria: ACMG Guidelines, 2015. Collection method: clinical testing. Allele origin: germline.

Labcorp Genetics (formerly Invitae), Labcorp
Classification: Uncertain significance for Sialuria; GNE myopathy. Last evaluated: 2023-10-16. Review status: criteria provided, single submitter. Criteria: Invitae Variant Classification Sherloc (09022015). Collection method: clinical testing. Allele origin: germline.
Comment: This sequence change replaces isoleucine, which is neutral and non-polar, with valine, which is neutral and non-polar, at codon 31 of the GNE protein (p.Ile31Val). This variant is present in population databases (no rsID available, gnomAD 0.003%). This variant has not been reported in the literature in individuals affected with GNE-related conditions. Advanced modeling of protein sequence and biophysical properties (such as structural, functional, and spatial information, amino acid conservation, physicochemical variation, residue mobility, and thermodynamic stability) performed at Invitae indicates that this missense variant is not expected to disrupt GNE protein function. In summary, the available evidence is currently insufficient to determine the role of this variant in disease. Therefore, it has been classified as a Variant of Uncertain Significance.

NM_001128227.3(GNE):c.91A>G (p.Ile31Val)

Gene: GNE (glucosamine (UDP-N-acetyl)-2-epimerase/N-acetylmannosamine kinase; minus strand). Cytogenetic location: 9p13.3.
Variant type: single nucleotide variant.
Coding change: c.91A>G on transcript NM_001128227.3 (MANE Plus Clinical); coding-DNA position 91, A replaced by G.
Protein change: p.Ile31Val; replaces isoleucine 31 with valine.
Molecular consequence: missense variant. On other transcripts: 5 prime UTR variant (3), intron variant (3).
Genome position (GRCh38, 1-based): chr9:36,249,358, T>C on the plus strand (A>G on the coding strand, the complement: GNE is on the minus strand). VCF-style: chr9-36249358-T-C. GRCh37 (hg19) VCF-style: chr9-36249355-T-C.
Other names: c.-3A>G (NM_001190383.3, NM_001374797.1, NM_005476.7); c.-13-2876A>G (NM_001190388.2, NM_001190384.3, NM_001374798.1); short protein forms I31V.
Identifiers: ClinVar variation 2937318 (VCV002937318.4), dbSNP rs1490125320, ClinGen allele CA373422297.
Genomic context (GRCh38, chr9:36,249,358, plus strand): 5'-CACGGTTACAAGTAGCAACACAAACCCGCAGCTTTCGGTTATTTCCATTCTTCTCCATGA[T>C]TTGCTTGTTTCGTTTTGAGAGGTTCTTAAAATAGAGTTCCTGAAATTGCCAAAATAAAAA-3'
Protein context (NP_001121699.1, residues 21-41): FKNLSKRNKQ[Ile31Val]MEKNGNNRKL